The following is an entry in ClinVar:

NM_006946.4(SPTBN2):c.5693C>A (p.Ala1898Asp)

Gene: SPTBN2 (spectrin beta, non-erythrocytic 2; minus strand). Cytogenetic location: 11q13.2.
Variant type: single nucleotide variant.
Coding change: c.5693C>A on transcript NM_006946.4 (MANE Select); coding-DNA position 5693, C replaced by A.
Protein change: p.Ala1898Asp; replaces alanine 1898 with aspartic acid.
Molecular consequence: missense variant.
Genome position (GRCh38, 1-based): chr11:66,690,156, G>T on the plus strand (C>A on the coding strand, the complement: SPTBN2 is on the minus strand). VCF-style: chr11-66690156-G-T. GRCh37 (hg19) VCF-style: chr11-66457627-G-T.
Other names: p.Ala1898Asp; c.5714C>A, p.Ala1905Asp (NM_001411025.1); c.5693C>A, p.Ala1898Asp (NM_001437541.1); short protein forms A1898D, A1905D.
Identifiers: ClinVar variation 4541638 (VCV004541638.1).

ClinVar aggregate classification (germline): Uncertain significance (1 of 4 stars; one submission).

gnomAD v4.1: 1 of 1,614,070 alleles (0.000062%); highest among the groups gnomAD compares: African/African-American, 0.0013%; no homozygotes.

Submission:

Mayo Clinic Laboratories, Mayo Clinic
Classification: Uncertain significance. Last evaluated: 2025-04-15. Review status: criteria provided, single submitter. Criteria: ACMG Guidelines, 2015. Collection method: clinical testing. Allele origin: germline. Observed: 1 variant allele.
Comment: BP4_moderate